The following is an entry in ClinVar:

ClinVar aggregate classification (germline): Uncertain significance. Review status: criteria provided, multiple submitters, no conflicts (2 of 4 stars). 2 submissions from 2 submitters: Uncertain significance (2). Last evaluated 2025-09-30.

Conditions:
Neuropathy, hereditary sensory and autonomic, type 2A (HSAN2A). Also called: HSAN IIA; WNK1-Related HSAN2 (HSAN2A); ACROOSTEOLYSIS, GIACCAI TYPE; ACROOSTEOLYSIS, NEUROGENIC; MORVAN DISEASE; NEUROPATHY, CONGENITAL SENSORY. Identifiers: Orphanet 970, MedGen C2752089, MONDO:0024309, OMIM 201300.
Pseudohypoaldosteronism type 2C (PHA2C). Also called: Pseudohypoaldosteronism Type IIC. Identifiers: Orphanet 757, Orphanet 88940, MedGen C1840391, MONDO:0013778, OMIM 614492.

Allele frequency attached by ClinVar (database versions not stated): gnomAD exomes below 0.00001; TOPMed below 0.00001; gnomAD 0.00001.
gnomAD v4.1: 5 of 1,613,874 alleles (0.00031%); highest among the groups gnomAD compares: African/African-American, 0.0013%; no homozygotes.

Submissions (2):

Mayo Clinic Laboratories, Mayo Clinic
Classification: Uncertain significance. Last evaluated: 2025-09-30. Review status: criteria provided, single submitter. Criteria: ACMG Guidelines, 2015. Collection method: clinical testing. Allele origin: germline. Observed: 1 variant allele.
Comment: BP4_moderate

Labcorp Genetics (formerly Invitae), Labcorp
Classification: Uncertain significance for Neuropathy, hereditary sensory and autonomic, type 2A; Pseudohypoaldosteronism type 2C. Last evaluated: 2024-09-20. Review status: criteria provided, single submitter. Criteria: Invitae Variant Classification Sherloc (09022015). Collection method: clinical testing. Allele origin: germline.
Comment: This sequence change replaces serine, which is neutral and polar, with asparagine, which is neutral and polar, at codon 1811 of the WNK1 protein (p.Ser1811Asn). This variant is present in population databases (no rsID available, gnomAD 0.0009%). This variant has not been reported in the literature in individuals affected with WNK1-related conditions. Invitae Evidence Modeling of protein sequence and biophysical properties (such as structural, functional, and spatial information, amino acid conservation, physicochemical variation, residue mobility, and thermodynamic stability) indicates that this missense variant is not expected to disrupt WNK1 protein function with a negative predictive value of 95%. In summary, the available evidence is currently insufficient to determine the role of this variant in disease. Therefore, it has been classified as a Variant of Uncertain Significance.

NM_018979.4(WNK1):c.4676G>A (p.Ser1559Asn)

Gene: WNK1 (WNK lysine deficient protein kinase 1; plus strand). Cytogenetic location: 12p13.33.
Variant type: single nucleotide variant.
Coding change: c.4676G>A on transcript NM_018979.4 (MANE Select); coding-DNA position 4676, G replaced by A.
Protein change: p.Ser1559Asn; replaces serine 1559 with asparagine.
Molecular consequence: missense variant.
Genome position (GRCh38, 1-based): chr12:885,480, G>A. VCF-style: chr12-885480-G-A. GRCh37 (hg19) VCF-style: chr12-994646-G-A.
Other names: p.Ser1811Asn; c.5432G>A (NM_213655.4); c.5456G>A, p.Ser1819Asn (NM_001184985.2); c.3935G>A, p.Ser1312Asn (NM_014823.3); c.5432G>A, p.Ser1811Asn (NM_213655.5); short protein forms S1811N, S1312N, S1559N, S1819N.
Identifiers: ClinVar variation 2923517 (VCV002923517.4), dbSNP rs1327224750, ClinGen allele CA383331703.